The following is an entry in ClinVar:

ClinVar aggregate classification (germline): Uncertain significance (1 of 4 stars; one submission).

Conditions:
POLD1-related polyposis and colorectal cancer syndrome (CRCS10). Also called: Colorectal cancer 10; COLORECTAL CANCER, SUSCEPTIBILITY TO, ON CHROMOSOME 19q; Colorectal cancer, susceptibility to, 10. Identifiers: Orphanet 220460, MedGen C2675481, MONDO:0012953, OMIM 612591.

Submission:

Labcorp Genetics (formerly Invitae), Labcorp
Classification: Uncertain significance for POLD1-related polyposis and colorectal cancer syndrome. Last evaluated: 2022-04-04. Review status: criteria provided, single submitter. Criteria: Invitae Variant Classification Sherloc (09022015). Collection method: clinical testing. Allele origin: germline.
Comment: This variant is not present in population databases (gnomAD no frequency). This sequence change creates a premature translational stop signal (p.Phe723Leufs*5) in the POLD1 gene. Missense variants that disrupt the 3'-5' exonuclease (proof-reading) activity of the POLD1 protein are associated with an increased risk for colonic adenomatous polyps and colon cancer (PMID: 23263490, 23447401). However, loss-of-function variants that result in an absent or severely disrupted POLD1 protein, and missense variants outside the exonuclease domain, are unlikely to be associated with polyposis or colon cancer. This variant has not been reported in the literature in individuals affected with POLD1-related conditions. In summary, the available evidence is currently insufficient to determine the role of this variant in disease. Therefore, it has been classified as a Variant of Uncertain Significance.

Literature cited by the submitters: PubMed 23263490; PubMed 23447401.

NM_002691.4(POLD1):c.2169del (p.Phe723fs)

Gene: POLD1 (DNA polymerase delta 1, catalytic subunit; plus strand). Cytogenetic location: 19q13.33.
Variant type: Deletion.
Coding change: c.2169del on transcript NM_002691.4 (MANE Select); coding-DNA position 2169, one base deleted (C; older notation c.2169delC).
Protein change: p.Phe723fs; shifts the reading frame from phenylalanine 723.
Molecular consequence: frameshift variant. On other transcripts: non-coding transcript variant (1).
Genome position (GRCh38, 1-based): chr19:50,413,440, C deleted. VCF-style (leftmost placement, unchanged base first): chr19-50413439-TC-T. GRCh37 (hg19) VCF-style: chr19-50916696-TC-T.
Other names: c.2169del, p.Phe723fs (NM_001256849.1); c.2247del, p.Phe749fs (NM_001308632.1); short protein forms F723fs, F749fs.
Identifiers: ClinVar variation 2109368 (VCV002109368.4), dbSNP rs2514035394, ClinGen allele CA2580097721.